The following is an entry in ClinVar:

NM_018139.3(DNAAF2):c.686A>G (p.Gln229Arg)

Gene: DNAAF2 (dynein axonemal assembly factor 2; minus strand). Cytogenetic location: 14q21.3.
Variant type: single nucleotide variant.
Coding change: c.686A>G on transcript NM_018139.3 (MANE Select); coding-DNA position 686, A replaced by G.
Protein change: p.Gln229Arg; replaces glutamine 229 with arginine.
Molecular consequence: missense variant.
Genome position (GRCh38, 1-based): chr14:49,634,464, T>C on the plus strand (A>G on the coding strand, the complement: DNAAF2 is on the minus strand). VCF-style: chr14-49634464-T-C. GRCh37 (hg19) VCF-style: chr14-50101182-T-C.
Other names: c.686A>G, p.Gln229Arg (NM_001083908.2); short protein forms Q229R.
Identifiers: ClinVar variation 579802 (VCV000579802.9), dbSNP rs762538506, ClinGen allele CA7173053.

ClinVar aggregate classification (germline): Uncertain significance (1 of 4 stars; one submission).

Conditions:
Primary ciliary dyskinesia. Also called: Ciliary dyskinesia. Identifiers: Orphanet 244, MedGen C0008780, MONDO:0016575, HP:0012265.

Allele frequency attached by ClinVar (database versions not stated): gnomAD 0.00001; gnomAD exomes 0.00001; TOPMed 0.00001; ExAC 0.00002.

Submission:

Labcorp Genetics (formerly Invitae), Labcorp
Classification: Uncertain significance for Primary ciliary dyskinesia. Last evaluated: 2021-10-12. Review status: criteria provided, single submitter. Criteria: Invitae Variant Classification Sherloc (09022015). Collection method: clinical testing. Allele origin: germline.
Comment: Algorithms developed to predict the effect of missense changes on protein structure and function output the following: SIFT: "Tolerated"; PolyPhen-2: "Benign"; Align-GVGD: "Class C0". The arginine amino acid residue is found in multiple mammalian species, which suggests that this missense change does not adversely affect protein function. In summary, the available evidence is currently insufficient to determine the role of this variant in disease. Therefore, it has been classified as a Variant of Uncertain Significance. This sequence change replaces glutamine with arginine at codon 229 of the DNAAF2 protein (p.Gln229Arg). The glutamine residue is weakly conserved and there is a small physicochemical difference between glutamine and arginine. This variant is present in population databases (rs762538506, ExAC 0.03%). This variant has not been reported in the literature in individuals affected with DNAAF2-related conditions.